The following is an entry in ClinVar:

NM_001347721.2(DYRK1A):c.857T>C (p.Leu286Pro)

Gene: DYRK1A (dual specificity tyrosine phosphorylation regulated kinase 1A; plus strand). Cytogenetic location: 21q22.13.
Variant type: single nucleotide variant.
Coding change: c.857T>C on transcript NM_001347721.2 (MANE Select); coding-DNA position 857, T replaced by C.
Protein change: p.Leu286Pro; replaces leucine 286 with proline.
Molecular consequence: missense variant.
Genome position (GRCh38, 1-based): chr21:37,490,394, T>C. VCF-style: chr21-37490394-T-C. GRCh37 (hg19) VCF-style: chr21-38862696-T-C.
Other names: c.857T>C, p.Leu286Pro (NM_001347722.2, NM_130436.2); c.770T>C, p.Leu257Pro (NM_001347723.2); c.884T>C, p.Leu295Pro (NM_001396.5, NM_101395.2, NM_130438.2); short protein forms L257P, L286P, L295P.
Identifiers: ClinVar variation 4745561 (VCV004745561.1).

ClinVar aggregate classification (germline): Uncertain significance (1 of 4 stars; one submission).

Conditions:
DYRK1A-related intellectual disability syndrome (MRD7). Also called: DYRK1A Syndrome; Intellectual developmental disorder, autosomal dominant 7. Identifiers: Orphanet 464306, MedGen C5568143, MONDO:0013578, OMIM 614104.

Submission:

Labcorp Genetics (formerly Invitae), Labcorp
Classification: Uncertain significance for DYRK1A-related intellectual disability syndrome. Last evaluated: 2025-02-12. Review status: criteria provided, single submitter. Criteria: Invitae Variant Classification Sherloc (09022015). Collection method: clinical testing. Allele origin: germline.
Comment: This sequence change replaces leucine, which is neutral and non-polar, with proline, which is neutral and non-polar, at codon 295 of the DYRK1A protein (p.Leu295Pro). This variant is not present in population databases (gnomAD no frequency). This missense change has been observed in individual(s) with DYRK1A-related conditions (internal data). Invitae Evidence Modeling of protein sequence and biophysical properties (such as structural, functional, and spatial information, amino acid conservation, physicochemical variation, residue mobility, and thermodynamic stability) indicates that this missense variant is expected to disrupt DYRK1A protein function with a positive predictive value of 80%. This variant disrupts the p.Leu295 amino acid residue in DYRK1A. Other variant(s) that disrupt this residue have been observed in individuals with DYRK1A-related conditions (PMID: 25944381), which suggests that this may be a clinically significant amino acid residue. In summary, the available evidence is currently insufficient to determine the role of this variant in disease. Therefore, it has been classified as a Variant of Uncertain Significance.

Literature cited by the submitters: PubMed 25944381.